The following is an entry in ClinVar:

NM_030973.4(MED25):c.1157C>T (p.Ala386Val)

Gene: MED25 (mediator complex subunit 25; plus strand). Cytogenetic location: 19q13.33.
Variant type: single nucleotide variant.
Coding change: c.1157C>T on transcript NM_030973.4 (MANE Select); coding-DNA position 1157, C replaced by T.
Protein change: p.Ala386Val; replaces alanine 386 with valine.
Molecular consequence: missense variant.
Genome position (GRCh38, 1-based): chr19:49,831,388, C>T. VCF-style: chr19-49831388-C-T. GRCh37 (hg19) VCF-style: chr19-50334645-C-T.
Other names: c.1157C>T, p.Ala386Val (NM_001378355.1); short protein forms A386V.
Identifiers: ClinVar variation 1510759 (VCV001510759.6), dbSNP rs1427321438, ClinGen allele CA406916289.
Genomic context (GRCh38, chr19:49,831,388, plus strand): 5'-GGCAGGCAGGCACTGTGGCCCCAGGAGGGGTGAGCGGCCCTTCCCCAGCCCAGCTGGGAG[C>T]CCCAGCCCTCGGTGGGCAGCAGTCAGTCTCCAATAAGCTTCTGGCCTGGAGCGGGGTCCT-3'
Protein context (NP_112235.2, residues 376-396): VSGPSPAQLG[Ala386Val]PALGGQQSVS

ClinVar aggregate classification (germline): Uncertain significance (1 of 4 stars; one submission).

Conditions:
Charcot-Marie-Tooth disease type 2. Also called: Charcot-Marie-Tooth type 2. Identifiers: Orphanet 64746, MedGen C0270914, MONDO:0018993.

Allele frequency attached by ClinVar (database versions not stated): gnomAD 0.00001; gnomAD exomes 0.00001.
gnomAD v4.1: 5 of 1,610,710 alleles (0.00031%); highest among the groups gnomAD compares: Admixed American, 0.005%; no homozygotes.

Submission:

Labcorp Genetics (formerly Invitae), Labcorp
Classification: Uncertain significance for Charcot-Marie-Tooth disease type 2. Last evaluated: 2021-11-08. Review status: criteria provided, single submitter. Criteria: Invitae Variant Classification Sherloc (09022015). Collection method: clinical testing. Allele origin: germline.
Comment: This sequence change replaces alanine, which is neutral and non-polar, with valine, which is neutral and non-polar, at codon 386 of the MED25 protein (p.Ala386Val). This variant is present in population databases (no rsID available, gnomAD 0.007%). This variant has not been reported in the literature in individuals affected with MED25-related conditions. Algorithms developed to predict the effect of missense changes on protein structure and function (SIFT, PolyPhen-2, Align-GVGD) all suggest that this variant is likely to be tolerated. In summary, the available evidence is currently insufficient to determine the role of this variant in disease. Therefore, it has been classified as a Variant of Uncertain Significance.